The following is an entry in ClinVar:

ClinVar aggregate classification (germline): Conflicting classifications of pathogenicity. Review status: criteria provided, conflicting classifications (1 of 4 stars). 5 submissions from 5 submitters: Uncertain significance (3); Likely benign (2). Last evaluated 2025-05-18.

Conditions:
Hereditary breast ovarian cancer syndrome. Also called: Hereditary breast and ovarian cancer syndrome; Breast and ovarian cancer; Hereditary breast and ovarian cancer; Hereditary breast and/or ovarian cancer syndrome; Hereditary breast and ovarian cancer syndrome (HBOC); BRCA1- and BRCA2-Associated Hereditary Breast and Ovarian Cancer. Identifiers: Orphanet 145, MedGen C0677776, MeSH D061325, MONDO:0003582. Disease mechanism: loss of function.
Hereditary cancer-predisposing syndrome. Also called: Hereditary neoplastic syndrome; Tumor predisposition; Neoplastic Syndromes, Hereditary; Hereditary Cancer Syndrome. Identifiers: Orphanet 140162, MedGen C0027672, MeSH D009386, MONDO:0015356.

Allele frequency attached by ClinVar (database versions not stated): gnomAD exomes below 0.00001.
gnomAD v4.1: 1 of 1,600,574 alleles (0.000062%); highest among the groups gnomAD compares: East Asian, 0.0022%; no homozygotes.

Submissions (5):

GeneDx
Classification: Uncertain significance. Last evaluated: 2025-05-18. Review status: criteria provided, single submitter. Criteria: GeneDx Variant Classification Process June 2021. Collection method: clinical testing. Allele origin: germline. Affected: yes.
Comment: Observed in individual(s) with personal or family history of breast and/or ovarian cancer (PMID: 28111427); Not observed at significant frequency in large population cohorts (gnomAD); In silico analysis suggests that this missense variant does not alter protein structure/function; Also known as 4271G>A; This variant is associated with the following publications: (PMID: 28111427)

Labcorp Genetics (formerly Invitae), Labcorp
Classification: Uncertain significance for Hereditary breast ovarian cancer syndrome. Last evaluated: 2024-04-05. Review status: criteria provided, single submitter. Criteria: Invitae Variant Classification Sherloc (09022015). Collection method: clinical testing. Allele origin: germline.
Comment: This sequence change replaces cysteine, which is neutral and slightly polar, with tyrosine, which is neutral and polar, at codon 1348 of the BRCA2 protein (p.Cys1348Tyr). This variant is present in population databases (no rsID available, gnomAD 0.006%). This missense change has been observed in individual(s) with hereditary breast and/or ovarian cancer (PMID: 28111427). ClinVar contains an entry for this variant (Variation ID: 571146). Advanced modeling of protein sequence and biophysical properties (such as structural, functional, and spatial information, amino acid conservation, physicochemical variation, residue mobility, and thermodynamic stability) performed at Invitae indicates that this missense variant is not expected to disrupt BRCA2 protein function with a negative predictive value of 95%. In summary, the available evidence is currently insufficient to determine the role of this variant in disease. Therefore, it has been classified as a Variant of Uncertain Significance.

Ambry Genetics
Classification: Likely benign for Hereditary cancer-predisposing syndrome. Last evaluated: 2023-04-14. Review status: criteria provided, single submitter. Criteria: Ambry Variant Classification Scheme 2023. Collection method: clinical testing. Allele origin: germline.

University of Washington Department of Laboratory Medicine, University of Washington
Classification: Likely benign for Hereditary cancer-predisposing syndrome. Last evaluated: 2023-03-23. Review status: criteria provided, single submitter. Criteria: Dines et al. (Genet Med. 2020). Collection method: curation. Allele origin: germline.
Comment: Missense variant in a coldspot region where missense variants are very unlikely to be pathogenic (PMID:31911673).

BRCA2 exon 11 coldspot. Reclassification based on statistical prior probability.

Color Diagnostics, LLC DBA Color Health
Classification: Uncertain significance for Hereditary cancer-predisposing syndrome. Last evaluated: 2019-03-21. Review status: criteria provided, single submitter. Criteria: ACMG Guidelines, 2015. Collection method: clinical testing. Allele origin: germline.

Literature cited by the submitters: PubMed 28111427 (cited by Labcorp Genetics (formerly Invitae), Labcorp).

NM_000059.4(BRCA2):c.4043G>A (p.Cys1348Tyr)

Gene: BRCA2 (BRCA2 DNA repair associated; plus strand). Cytogenetic location: 13q13.1.
Variant type: single nucleotide variant.
Coding change: c.4043G>A on transcript NM_000059.4 (MANE Select); coding-DNA position 4043, G replaced by A.
Protein change: p.Cys1348Tyr; replaces cysteine 1348 with tyrosine.
Molecular consequence: missense variant.
Genome position (GRCh38, 1-based): chr13:32,338,398, G>A. VCF-style: chr13-32338398-G-A. GRCh37 (hg19) VCF-style: chr13-32912535-G-A.
Other names: short protein forms C1348Y.
Identifiers: ClinVar variation 571146 (VCV000571146.15), dbSNP rs1307056903, ClinGen allele CA387779090.